The following is an entry in ClinVar:

ClinVar aggregate classification (germline): Likely benign (0 of 4 stars; one submission).

Conditions:
YRDC-related disorder. Also called: YRDC-related condition.

Allele frequency attached by ClinVar (database versions not stated): 1000 Genomes Project 0.00020; ExAC 0.00047; 1000 Genomes Project 30x 0.00062; TOPMed 0.00126; gnomAD 0.00131; gnomAD exomes 0.00252.
gnomAD v4.1: 3,386 of 1,437,358 alleles (0.24%); highest among the groups gnomAD compares: Non-Finnish European, 0.29%; 6 homozygotes.

Submission:

PreventionGenetics, part of Exact Sciences
Classification: Likely benign for YRDC-related condition. Last evaluated: 2020-08-05. Review status: no assertion criteria provided. Collection method: clinical testing. Allele origin: germline.
Comment: This variant is classified as likely benign based on ACMG/AMP sequence variant interpretation guidelines (Richards et al. 2015 PMID: 25741868, with internal and published modifications).

NM_024640.4(YRDC):c.-7T>C

Genes: C1orf122 (chromosome 1 open reading frame 122; plus strand), YRDC (yrdC N6-threonylcarbamoyltransferase domain containing; minus strand). Cytogenetic location: 1p34.3.
Variant type: single nucleotide variant.
Coding change: c.-7T>C on transcript NM_024640.4 (MANE Select); 7 bases upstream of the start codon, T replaced by C.
Molecular consequence: 5 prime UTR variant.
Genome position (GRCh38, 1-based): chr1:37,808,187, A>G on the plus strand (T>C on the coding strand, the complement: YRDC is on the minus strand). VCF-style: chr1-37808187-A-G. GRCh37 (hg19) VCF-style: chr1-38273859-A-G.
Other names: c.-274A>G (NM_001142726.2); c.-218A>G (NM_198446.3).
Identifiers: ClinVar variation 3035534 (VCV003035534.2), dbSNP rs560598698, ClinGen allele CA774883.
Genomic context (GRCh38, chr1:37,808,187, plus strand): 5'-CACGCTGGCAGCCACCGCGGCCCTCATCCCCCTGCACCGACGCGCCGGAGACATCCGCCC[A>G]GGCCCGCTTCCGGGAGGAAGTGACGCTCCCAGCCAGCTTCCGGTCCAGGAGACTCGGCCC-3'